The following is an entry in ClinVar:

NM_014727.3(KMT2B):c.1863T>G (p.Pro621=)

Gene: KMT2B (lysine methyltransferase 2B; plus strand). Cytogenetic location: 19q13.12.
Variant type: single nucleotide variant.
Coding change: c.1863T>G on transcript NM_014727.3 (MANE Select); coding-DNA position 1863, T replaced by G.
Protein change: p.Pro621=; no amino-acid change (proline 621 retained).
Molecular consequence: synonymous variant.
Genome position (GRCh38, 1-based): chr19:35,721,210, T>G. VCF-style: chr19-35721210-T-G. GRCh37 (hg19) VCF-style: chr19-36212112-T-G.
Identifiers: ClinVar variation 3037515 (VCV003037515.2), dbSNP rs1039809715, ClinGen allele CA507306269.

ClinVar aggregate classification (germline): Likely benign (0 of 4 stars; one submission).

Conditions:
KMT2B-related disorder. Also called: KMT2B-related condition; KMT2B-related disorders. Identifiers: MedGen CN381338.

Submission:

PreventionGenetics, part of Exact Sciences
Classification: Likely benign for KMT2B-related condition. Last evaluated: 2019-08-27. Review status: no assertion criteria provided. Collection method: clinical testing. Allele origin: germline.
Comment: This variant is classified as likely benign based on ACMG/AMP sequence variant interpretation guidelines (Richards et al. 2015 PMID: 25741868, with internal and published modifications).